The following is an entry in ClinVar:

ClinVar aggregate classification (germline): Benign/Likely benign. Review status: criteria provided, multiple submitters, no conflicts (2 of 4 stars). 6 submissions from 6 submitters: Benign (2); Likely benign (4). Last evaluated 2025-12-23.

Conditions:
NOTCH3-related disorder. Also called: NOTCH3-related disorders; NOTCH3-related condition.

Allele frequency attached by ClinVar (database versions not stated): 1000 Genomes Project 0.00020; 1000 Genomes Project 30x 0.00031; TOPMed 0.00033; gnomAD 0.00035; ESP Exome Variant Server 0.00038.
gnomAD v4.1: 99 of 1,603,300 alleles (0.0062%); highest among the groups gnomAD compares: African/African-American, 0.12%; no homozygotes.

Submissions (6):

Labcorp Genetics (formerly Invitae), Labcorp
Classification: Likely benign. Last evaluated: 2025-12-23. Review status: criteria provided, single submitter. Criteria: Invitae Variant Classification Sherloc (09022015). Collection method: clinical testing. Allele origin: germline.

Mayo Clinic Laboratories, Mayo Clinic
Classification: Benign. Last evaluated: 2025-10-14. Review status: criteria provided, single submitter. Criteria: ACMG Guidelines, 2015. Collection method: clinical testing. Allele origin: germline. Observed: 2 variant alleles.
Comment: BS1, BS2, BP4, BP7

PreventionGenetics, part of Exact Sciences
Classification: Likely benign for NOTCH3-related condition. Last evaluated: 2025-06-13. Review status: criteria provided, single submitter. Criteria: ACMG Guidelines, 2015. Collection method: clinical testing. Allele origin: germline.
Comment: This variant is classified as likely benign based on ACMG/AMP sequence variant interpretation guidelines (Richards et al. 2015 PMID: 25741868, with internal and published modifications).

Blueprint Genetics
Classification: Likely benign. Last evaluated: 2024-08-28. Review status: criteria provided, single submitter. Criteria: ACMG Guidelines, 2015. Collection method: clinical testing. Allele origin: germline.

ARUP Laboratories, Molecular Genetics and Genomics, ARUP Laboratories
Classification: Likely benign. Last evaluated: 2019-02-15. Review status: criteria provided, single submitter. Criteria: ARUP Molecular Germline Variant Investigation Process. Collection method: clinical testing. Allele origin: germline.

Athena Diagnostics
Classification: Benign. Last evaluated: 2018-09-24. Review status: criteria provided, single submitter. Criteria: Athena Diagnostics Criteria. Collection method: clinical testing. Allele origin: germline.

NM_000435.3(NOTCH3):c.5200-4C>A

Gene: NOTCH3 (notch receptor 3; minus strand). Cytogenetic location: 19p13.12.
Variant type: single nucleotide variant.
Coding change: c.5200-4C>A on transcript NM_000435.3 (MANE Select); 4 bases into the intron before coding-DNA position 5200, C replaced by A.
Molecular consequence: intron variant.
Genome position (GRCh38, 1-based): chr19:15,167,415, G>T on the plus strand (C>A on the coding strand, the complement: NOTCH3 is on the minus strand). VCF-style: chr19-15167415-G-T. GRCh37 (hg19) VCF-style: chr19-15278226-G-T.
Other names: p.?.
Identifiers: ClinVar variation 704389 (VCV000704389.20), dbSNP rs375036447, ClinGen allele CA9262691.